The following is an entry in ClinVar:

ClinVar aggregate classification (germline): Uncertain significance. Review status: criteria provided, multiple submitters, no conflicts (2 of 4 stars). 5 submissions from 5 submitters: Uncertain significance (5). Last evaluated 2025-12-16.

Conditions:
Hereditary cancer-predisposing syndrome. Also called: Neoplastic Syndromes, Hereditary; Hereditary neoplastic syndrome; Tumor predisposition; Hereditary Cancer Syndrome. Identifiers: Orphanet 140162, MedGen C0027672, MeSH D009386, MONDO:0015356.
Hereditary nonpolyposis colorectal neoplasms. Identifiers: MedGen C0009405, MeSH D003123.
Lynch syndrome 4 (LYNCH4). Also called: Colorectal cancer, hereditary nonpolyposis, type 4; Hereditary non-polyposis colorectal cancer, type 4. Identifiers: Orphanet 144, MedGen C1838333, MONDO:0013699, OMIM 614337. Disease mechanism: loss of function.

Submissions (5):

Labcorp Genetics (formerly Invitae), Labcorp
Classification: Uncertain significance for Hereditary nonpolyposis colorectal neoplasms. Last evaluated: 2025-12-16. Review status: criteria provided, single submitter. Criteria: Invitae Variant Classification Sherloc (09022015). Collection method: clinical testing. Allele origin: germline.
Comment: This sequence change replaces glycine, which is neutral and non-polar, with glutamic acid, which is acidic and polar, at codon 795 of the PMS2 protein (p.Gly795Glu). The frequency data for this variant in the population databases (gnomAD) is considered unreliable due to the presence of homologous sequence, such as pseudogenes or paralogs, in the genome. This variant has not been reported in the literature in individuals affected with PMS2-related conditions. ClinVar contains an entry for this variant (Variation ID: 187578). Invitae Evidence Modeling incorporating data from in vitro experimental studies (internal data) indicates that this missense variant is not expected to disrupt PMS2 function with a negative predictive value of 95%. In summary, the available evidence is currently insufficient to determine the role of this variant in disease. Therefore, it has been classified as a Variant of Uncertain Significance.

Color Diagnostics, LLC DBA Color Health
Classification: Uncertain significance for Hereditary cancer-predisposing syndrome. Last evaluated: 2025-05-25. Review status: criteria provided, single submitter. Criteria: ACMG Guidelines, 2015. Collection method: clinical testing. Allele origin: germline.
Comment: This missense variant replaces glycine with glutamic acid at codon 795 of the PMS2 protein. Computational prediction is inconclusive regarding the impact of this variant on protein structure and function. To our knowledge, functional studies have not been reported for this variant. This variant has not been reported in individuals affected with PMS2-related disorders in the literature. This variant has not been identified in the general population by the Genome Aggregation Database (gnomAD). The available evidence is insufficient to determine the role of this variant in disease conclusively. Therefore, this variant is classified as a Variant of Uncertain Significance.

Dasa
Classification: Uncertain significance. Last evaluated: 2025-04-14. Review status: criteria provided, single submitter. Criteria: DASA Assertion Criteria. Collection method: clinical testing. Allele origin: germline.
Comment: NM_000535.7(PMS2):c.2384G>A (p.Gly795Glu) is a missense variant that results in the substitution of glycine with glutamic acid. This variant is rare in population databases. The currently available literature and clinical evidence are not sufficient to establish a definitive association between this variant and the reported condition. Therefore, this variant is classified as a variant of uncertain significance.

Baylor Genetics
Classification: Uncertain significance for Lynch syndrome 4. Last evaluated: 2024-02-24. Review status: criteria provided, single submitter. Criteria: ACMG Guidelines, 2015. Collection method: clinical testing. Allele origin: unknown.

Ambry Genetics
Classification: Uncertain significance for Hereditary cancer-predisposing syndrome. Last evaluated: 2023-05-15. Review status: criteria provided, single submitter. Criteria: Ambry Variant Classification Scheme 2023. Collection method: clinical testing. Allele origin: germline.
Comment: The p.G795E variant (also known as c.2384G>A), located in coding exon 14 of the PMS2 gene, results from a G to A substitution at nucleotide position 2384. The glycine at codon 795 is replaced by glutamic acid, an amino acid with similar properties. This amino acid position is highly conserved in available vertebrate species. In addition, this alteration is predicted to be deleterious by in silico analysis. Since supporting evidence is limited at this time, the clinical significance of this alteration remains unclear.

NM_000535.7(PMS2):c.2384G>A (p.Gly795Glu)

Gene: PMS2 (PMS1 homolog 2, mismatch repair system component; minus strand). Cytogenetic location: 7p22.1.
Variant type: single nucleotide variant.
Coding change: c.2384G>A on transcript NM_000535.7 (MANE Select); coding-DNA position 2384, G replaced by A.
Protein change: p.Gly795Glu; replaces glycine 795 with glutamic acid.
Molecular consequence: missense variant. On other transcripts: non-coding transcript variant (1).
Genome position (GRCh38, 1-based): chr7:5,977,649, C>T on the plus strand (G>A on the coding strand, the complement: PMS2 is on the minus strand). VCF-style: chr7-5977649-C-T. GRCh37 (hg19) VCF-style: chr7-6017280-C-T.
Other names: c.1979G>A, p.Gly660Glu (NM_001322003.2, NM_001322004.2, NM_001322005.2); c.2228G>A, p.Gly743Glu (NM_001322006.2); c.2066G>A, p.Gly689Glu (NM_001322007.2, NM_001322008.2); c.2012G>A, p.Gly671Glu (NM_001322009.2); c.1823G>A, p.Gly608Glu (NM_001322010.2); c.1451G>A, p.Gly484Glu (NM_001322011.2, NM_001322012.2); c.1811G>A, p.Gly604Glu (NM_001322013.2); c.2417G>A, p.Gly806Glu (NM_001322014.2); and 1 more; short protein forms G795E, G484E, G660E, G671E, G689E, G604E, G608E, G692E.
Identifiers: ClinVar variation 187578 (VCV000187578.20), dbSNP rs786203838, ClinGen allele CA011378.